The following is an entry in ClinVar:

NM_001166114.2(PNPLA6):c.316-2A>T

Gene: PNPLA6 (patatin like domain 6, lysophospholipase; plus strand). Cytogenetic location: 19p13.2.
Variant type: single nucleotide variant.
Coding change: c.316-2A>T on transcript NM_001166114.2 (MANE Select); the canonical splice acceptor site of the intron before coding-DNA position 316, A replaced by T.
Molecular consequence: splice acceptor variant.
Genome position (GRCh38, 1-based): chr19:7,536,447, A>T. VCF-style: chr19-7536447-A-T. GRCh37 (hg19) VCF-style: chr19-7601333-A-T.
Other names: c.199-2A>T (NM_001166113.1, NM_006702.5, NM_001166112.2); c.343-2A>T (NM_001166111.2).
Identifiers: ClinVar variation 872466 (VCV000872466.48), dbSNP rs148045000, ClinGen allele CA9139430.
Genomic context (GRCh38, chr19:7,536,447, plus strand): 5'-CGTCTGCCTCTTCTCCAAGGTCTGAATTAGCAATTCACCCATCTCCGCCTTCATTCTCCC[A>T]GGTGTCACAATCCACCTCCTCCCTCGTGGATACCTCTGTCTCCGCCACCTCCCGGCCACG-3'

ClinVar aggregate classification (germline): Pathogenic. Review status: criteria provided, multiple submitters, no conflicts (2 of 4 stars). 6 submissions from 6 submitters: Pathogenic (6). Last evaluated 2025-09-19.

Conditions:
Retinal dystrophy. Also called: Inherited retinal dystrophy. Identifiers: Orphanet 71862, MedGen C0854723, MeSH D058499, MONDO:0019118, HP:0000556.
PNPLA6-related disorder. Also called: PNPLA6-related disorders; PNPLA6-related condition.
Ataxia-hypogonadism-choroidal dystrophy syndrome (BNHS). Also called: Chorioretinal dystrophy, spinocerebellar ataxia and hypogonadotropic hypogonadism; Boucher-Neuhäuser Syndrome (BNS). Identifiers: Orphanet 1180, MedGen C1859093, MONDO:0008980, OMIM 215470.
Hereditary spastic paraplegia 39 (SPG39). Also called: SPASTIC PARAPLEGIA 39, AUTOSOMAL RECESSIVE; Spastic Paraplegia Type 39 (SPG39). Identifiers: Orphanet 139480, MedGen C2677586, MONDO:0012787, OMIM 612020.

Allele frequency attached by ClinVar (database versions not stated): gnomAD 0.00001; TOPMed 0.00001; gnomAD exomes 0.00003; ExAC 0.00005; ESP Exome Variant Server 0.00008.
gnomAD v4.1: 42 of 1,607,748 alleles (0.0026%); highest among the groups gnomAD compares: Non-Finnish European, 0.0032%; no homozygotes.

Submissions (6):

Labcorp Genetics (formerly Invitae), Labcorp
Classification: Pathogenic for Hereditary spastic paraplegia 39. Last evaluated: 2025-09-19. Review status: criteria provided, single submitter. Criteria: Invitae Variant Classification Sherloc (09022015). Collection method: clinical testing. Allele origin: germline.
Comment: This sequence change affects an acceptor splice site in intron 5 of the PNPLA6 gene. It is expected to disrupt RNA splicing. Variants that disrupt the donor or acceptor splice site typically lead to a loss of protein function (PMID: 16199547), and loss-of-function variants in PNPLA6 are known to be pathogenic (PMID: 24355708). This variant is present in population databases (rs148045000, gnomAD 0.02%). Disruption of this splice site has been observed in individuals with PNPLA6-related conditions (PMID: 25359264, 25574898). It has also been observed to segregate with disease in related individuals. This variant is also known as c.343-2A>T. ClinVar contains an entry for this variant (Variation ID: 872466). Algorithms developed to predict the effect of sequence changes on RNA splicing suggest that this variant may disrupt the consensus splice site. For these reasons, this variant has been classified as Pathogenic.

Blueprint Genetics
Classification: Pathogenic for PNPLA6-related disorders. Last evaluated: 2024-09-16. Review status: criteria provided, single submitter. Criteria: ACMG Guidelines, 2015. Collection method: clinical testing. Allele origin: germline. Affected: yes. Observed: 5 variant alleles.

Athena Diagnostics
Classification: Pathogenic. Last evaluated: 2023-12-20. Review status: criteria provided, single submitter. Criteria: Athena Diagnostics Criteria. Collection method: clinical testing. Allele origin: unknown.
Comment: This variant is expected to severely impact normal RNA splicing, and consequently, protein structure and/or function. The frequency of this variant in the general population is consistent with pathogenicity. This variant has been identified in at least one individual with an autosomal recessive PNPLA6-related disorder (PMID: 25359264, 25574898).

CeGaT Center for Human Genetics Tuebingen
Classification: Pathogenic. Last evaluated: 2023-08-01. Review status: criteria provided, single submitter. Criteria: CeGaT Center For Human Genetics Tuebingen Variant Classification Criteria Version 2. Collection method: clinical testing. Allele origin: germline. Affected: yes. Observed: 3 variant alleles.
Comment: PNPLA6: PVS1, PM3:Strong, PM2

Laboratory of Medical Genetics, National & Kapodistrian University of Athens
Classification: Pathogenic for Ataxia-hypogonadism-choroidal dystrophy syndrome. Last evaluated: 2023-07-31. Review status: criteria provided, single submitter. Criteria: ACMG Guidelines, 2015. Collection method: clinical testing. Allele origin: germline. Affected: yes.
Comment: PVS1, PM2, PP5 - The variant has been reported in ClinVar as Pathogenic by other laboratories (Variation ID 872466). This sequence change affects an acceptor splice site in intron 5 of the PNPLA6 gene. It is expected to disrupt RNA splicing. Variants that disrupt the donor or acceptor splice site typically lead to a loss of protein function (PMID: 16199547), and loss-of-function variants in PNPLA6 are known to be pathogenic (PMID: 24355708). It was detected in trans with another pathogenic variant.

Institute of Human Genetics, Univ. Regensburg, Univ. Regensburg
Classification: Pathogenic for Retinal dystrophy. Last evaluated: 2022-01-01. Review status: criteria provided, single submitter. Criteria: ACMG Guidelines, 2015. Collection method: clinical testing. Allele origin: germline. Affected: yes.

Literature cited by the submitters: PubMed 16199547 (cited by Labcorp Genetics (formerly Invitae), Labcorp); PubMed 24355708 (cited by Labcorp Genetics (formerly Invitae), Labcorp); PubMed 25359264 (cited by 3 submitters); PubMed 25574898 (cited by Labcorp Genetics (formerly Invitae), Labcorp and Athena Diagnostics); PubMed 2557489 (cited by Institute of Human Genetics, Univ. Regensburg, Univ. Regensburg).